The following is an entry in ClinVar:

ClinVar aggregate classification (germline): Uncertain significance (1 of 4 stars; one submission).

Allele frequency attached by ClinVar (database versions not stated): TOPMed below 0.00001; gnomAD exomes below 0.00001.
gnomAD v4.1: 1 of 1,550,124 alleles (0.000065%); highest among the groups gnomAD compares: Non-Finnish European, 0.000087%; no homozygotes.

Submission:

Labcorp Genetics (formerly Invitae), Labcorp
Classification: Uncertain significance. Last evaluated: 2025-10-02. Review status: criteria provided, single submitter. Criteria: Invitae Variant Classification Sherloc (09022015). Collection method: clinical testing. Allele origin: germline.
Comment: This sequence change replaces aspartic acid, which is acidic and polar, with asparagine, which is neutral and polar, at codon 793 of the MAP3K20 protein (p.Asp793Asn). This variant is not present in population databases (gnomAD no frequency). This variant has not been reported in the literature in individuals affected with MAP3K20-related conditions. ClinVar contains an entry for this variant (Variation ID: 2018052). Invitae Evidence Modeling of protein sequence and biophysical properties (such as structural, functional, and spatial information, amino acid conservation, physicochemical variation, residue mobility, and thermodynamic stability) indicates that this missense variant is not expected to disrupt MAP3K20 protein function with a negative predictive value of 95%. In summary, the available evidence is currently insufficient to determine the role of this variant in disease. Therefore, it has been classified as a Variant of Uncertain Significance.

NM_016653.3(MAP3K20):c.2377G>A (p.Asp793Asn)

Genes: MAP3K20 (mitogen-activated protein kinase kinase kinase 20; plus strand), MAP3K20-AS1 (MAP3K20 antisense RNA 1; minus strand). Cytogenetic location: 2q31.1.
Variant type: single nucleotide variant.
Coding change: c.2377G>A on transcript NM_016653.3 (MANE Select); coding-DNA position 2377, G replaced by A.
Protein change: p.Asp793Asn; replaces aspartic acid 793 with asparagine.
Molecular consequence: missense variant.
Genome position (GRCh38, 1-based): chr2:173,266,724, G>A. VCF-style: chr2-173266724-G-A. GRCh37 (hg19) VCF-style: chr2-174131452-G-A.
Other names: short protein forms D793N.
Identifiers: ClinVar variation 2018052 (VCV002018052.4), dbSNP rs1238976186, ClinGen allele CA349318397.